The following is an entry in ClinVar:

NM_000059.4(BRCA2):c.2383_2388delinsAGGAATTGCCACACTGTCTTCCACAATGGTTGAACTAATTTACATTCCAGCCAACAACTTGAGACAGTTTTTGACTCATAAACATTCAGAGCTTGGCTAGCTAATTCCTGCTTTAATTTAAAAAGTGTTTATTATATGCAAATTGGACAACTCATATAAATATGTGGTGCTACTTACTATGTATTTTCTCTAAAGCATGTTAAAAAAATAGGCTAGATATAGTGGCTCATGCCTGTAATCTTAGCACTTTGGGAGGCTAAGGCAGGAGGATCACTTATGGTCAGGAGTTTAAGAACACCCTGGGCAACATAGCGAGACCCCATCTCTACAAAAAATTTAAAATACCCAGGCATGGTGGCATGCTTCTGATGTTGTAGCTACTCAGGATGCTCAGACAGGAGGATCACTTGAGCCCAAGTGACTGAGGCTGCAGTGAACCAAAATTGTACCAGTGCACTCCAGCCTGGGCCACAAAATGAGACCTTGTCCCTGAAAAA (p.Ser795_Asp796delinsArgAsnCysHisThrValPheHisAsnGlyTer)

Gene: BRCA2 (BRCA2 DNA repair associated; plus strand). Cytogenetic location: 13q13.1.
Variant type: Indel.
Coding change: c.2383_2388delinsAGGAATTGCCACACTGTCTTCCACAATGGTTGAACTAATTTACATTCCAGCCAACAACTTGAGACAGTTTTTGACTCATAAACATTCAGAGCTTGGCTAGCTAATTCCTGCTTTAATTTAAAAAGTGTTTATTATATGCAAATTGGACAACTCATATAAATATGTGGTGCTACTTACTATGTATTTTCTCTAAAGCATGTTAAAAAAATAGGCTAGATATAGTGGCTCATGCCTGTAATCTTAGCACTTTGGGAGGCTAAGGCAGGAGGATCACTTATGGTCAGGAGTTTAAGAACACCCTGGGCAACATAGCGAGACCCCATCTCTACAAAAAATTTAAAATACCCAGGCATGGTGGCATGCTTCTGATGTTGTAGCTACTCAGGATGCTCAGACAGGAGGATCACTTGAGCCCAAGTGACTGAGGCTGCAGTGAACCAAAATTGTACCAGTGCACTCCAGCCTGGGCCACAAAATGAGACCTTGTCCCTGAAAAA on transcript NM_000059.4 (MANE Select); coding-DNA positions 2383 to 2388, the reference bases replaced by an inserted sequence.
Protein change: p.Ser795_Asp796delinsArgAsnCysHisThrValPheHisAsnGlyTer.
Molecular consequence: nonsense. On other transcripts: intron variant (2), non-coding transcript variant (1).
Genome position (GRCh38, 1-based): chr13:32,336,738-32,336,743, 6 bases replaced. GRCh37 (hg19): chr13:32,910,875-32,910,880.
Other names: c.424+5708_424+5713delinsAGGAATTGCCACACTGTCTTCCACAATGGTTGAACTAATTTACATTCCAGCCAACAACTTGAGACAGTTTTTGACTCATAAACATTCAGAGCTTGGCTAGCTAATTCCTGCTTTAATTTAAAAAGTGTTTATTATATGCAAATTGGACAACTCATATAAATATGTGGTGCTACTTACTATGTATTTTCTCTAAAGCATGTTAAAAAAATAGGCTAGATATAGTGGCTCATGCCTGTAATCTTAGCACTTTGGGAGGCTAAGGCAGGAGGATCACTTATGGTCAGGAGTTTAAGAACACCCTGGGCAACATAGCGAGACCCCATCTCTACAAAAAATTTAAAATACCCAGGCATGGTGGCATGCTTCTGATGTTGTAGCTACTCAGGATGCTCAGACAGGAGGATCACTTGAGCCCAAGTGACTGAGGCTGCAGTGAACCAAAATTGTACCAGTGCACTCCAGCCTGGGCCACAAAATGAGACCTTGTCCCTGAAAAA (NM_001406722.1); c.2383_2388delinsAGGAATTGCCACACTGTCTTCCACAATGGTTGAACTAATTTACATTCCAGCCAACAACTTGAGACAGTTTTTGACTCATAAACATTCAGAGCTTGGCTAGCTAATTCCTGCTTTAATTTAAAAAGTGTTTATTATATGCAAATTGGACAACTCATATAAATATGTGGTGCTACTTACTATGTATTTTCTCTAAAGCATGTTAAAAAAATAGGCTAGATATAGTGGCTCATGCCTGTAATCTTAGCACTTTGGGAGGCTAAGGCAGGAGGATCACTTATGGTCAGGAGTTTAAGAACACCCTGGGCAACATAGCGAGACCCCATCTCTACAAAAAATTTAAAATACCCAGGCATGGTGGCATGCTTCTGATGTTGTAGCTACTCAGGATGCTCAGACAGGAGGATCACTTGAGCCCAAGTGACTGAGGCTGCAGTGAACCAAAATTGTACCAGTGCACTCCAGCCTGGGCCACAAAATGAGACCTTGTCCCTGAAAAA, p.Ser795_Asp796delinsArgAsnCysHisThrValPheHisAsnGlyTer (NM_001432077.1, NM_001406719.1, NM_001406720.1); c.1909+3351_1909+3356delinsAGGAATTGCCACACTGTCTTCCACAATGGTTGAACTAATTTACATTCCAGCCAACAACTTGAGACAGTTTTTGACTCATAAACATTCAGAGCTTGGCTAGCTAATTCCTGCTTTAATTTAAAAAGTGTTTATTATATGCAAATTGGACAACTCATATAAATATGTGGTGCTACTTACTATGTATTTTCTCTAAAGCATGTTAAAAAAATAGGCTAGATATAGTGGCTCATGCCTGTAATCTTAGCACTTTGGGAGGCTAAGGCAGGAGGATCACTTATGGTCAGGAGTTTAAGAACACCCTGGGCAACATAGCGAGACCCCATCTCTACAAAAAATTTAAAATACCCAGGCATGGTGGCATGCTTCTGATGTTGTAGCTACTCAGGATGCTCAGACAGGAGGATCACTTGAGCCCAAGTGACTGAGGCTGCAGTGAACCAAAATTGTACCAGTGCACTCCAGCCTGGGCCACAAAATGAGACCTTGTCCCTGAAAAA (NM_001406721.1).
Identifiers: ClinVar variation 4294266 (VCV004294266.1).

ClinVar aggregate classification (germline): Pathogenic (1 of 4 stars; one submission).

Conditions:
Breast-ovarian cancer, familial, susceptibility to, 2 (BROVCA2). Also called: BRCA2 Hereditary Breast and Ovarian Cancer. Identifiers: Orphanet 145, MedGen C2675520, MONDO:0012933, OMIM 612555. Disease mechanism: loss of function.

Submission:

Myriad Genetics, Inc.
Classification: Pathogenic for Breast-ovarian cancer, familial, susceptibility to, 2. Last evaluated: 2025-09-09. Review status: criteria provided, single submitter. Criteria: Myriad Autosomal Dominant, Autosomal Recessive and X-Linked Classification Criteria (2023). Collection method: clinical testing. Allele origin: unknown.
Comment: This variant is considered pathogenic. This variant creates a frameshift predicted to result in premature protein truncation.